The following is an entry in ClinVar:

ClinVar aggregate classification (germline): Uncertain significance. Review status: criteria provided, multiple submitters, no conflicts (2 of 4 stars). 2 submissions from 2 submitters: Uncertain significance (2). Last evaluated 2024-11-04.

Conditions:
MKS1-related disorder. Also called: MKS1-related condition; MKS1-related disorders. Identifiers: MedGen CN239382.
Bardet-Biedl syndrome 13 (BBS13). Identifiers: Orphanet 110, MedGen C2673873, MONDO:0014441, OMIM 615990.
Meckel syndrome, type 1 (MKS1). Also called: MECKEL-GRUBER SYNDROME, TYPE 1. Identifiers: Orphanet 564, MedGen C3714506, MONDO:0009571, OMIM 249000.
Joubert syndrome 28 (JBTS28). Identifiers: MedGen C4310705, MONDO:0014928, OMIM 617121.

gnomAD v4.1: 2 of 1,614,134 alleles (0.00012%); highest among the groups gnomAD compares: South Asian, 0.0011%; no homozygotes.

Submissions (2):

PreventionGenetics, part of Exact Sciences
Classification: Uncertain significance for MKS1-related condition. Last evaluated: 2024-11-04. Review status: criteria provided, single submitter. Criteria: ACMG Guidelines, 2015. Collection method: clinical testing. Allele origin: germline.
Comment: The MKS1 c.842G>A variant is predicted to result in the amino acid substitution p.Arg281Gln. To our knowledge, this variant has not been reported in the literature or in a large population database (gnomAD), indicating this variant is rare. At this time, the clinical significance of this variant is uncertain due to the absence of conclusive functional and genetic evidence.

Fulgent Genetics
Classification: Uncertain significance for Meckel syndrome, type 1; Bardet-Biedl syndrome 13; Joubert syndrome 28. Last evaluated: 2024-04-07. Review status: criteria provided, single submitter. Criteria: ACMG Guidelines, 2015. Collection method: clinical testing. Allele origin: germline.

NM_017777.4(MKS1):c.842G>A (p.Arg281Gln)

Gene: MKS1 (MKS transition zone complex subunit 1; minus strand). Cytogenetic location: 17q22.
Variant type: single nucleotide variant.
Coding change: c.842G>A on transcript NM_017777.4 (MANE Select); coding-DNA position 842, G replaced by A.
Protein change: p.Arg281Gln; replaces arginine 281 with glutamine.
Molecular consequence: missense variant.
Genome position (GRCh38, 1-based): chr17:58,212,998, C>T on the plus strand (G>A on the coding strand, the complement: MKS1 is on the minus strand). VCF-style: chr17-58212998-C-T. GRCh37 (hg19) VCF-style: chr17-56290359-C-T.
Other names: c.233G>A, p.Arg78Gln (NM_001321268.2); c.842G>A, p.Arg281Gln (NM_001321269.2, NM_001330397.2, NM_001411113.1); short protein forms R78Q, R281Q.
Identifiers: ClinVar variation 3582354 (VCV003582354.2).